The following is an entry in ClinVar:

ClinVar aggregate classification (germline): Benign. Review status: criteria provided, multiple submitters, no conflicts (2 of 4 stars). 7 submissions from 7 submitters: Benign (7). Last evaluated 2026-02-02.

Conditions:
Temtamy preaxial brachydactyly syndrome (TPBS). Identifiers: Orphanet 363417, MedGen C1854466, MONDO:0011533, OMIM 605282.

Allele frequency attached by ClinVar (database versions not stated): gnomAD exomes 0.15060 and 0.15271; ExAC 0.21564; 1000 Genomes Project 0.22804; gnomAD 0.23529 and 0.24315; ESP Exome Variant Server 0.23901; 1000 Genomes Project 30x 0.23969; TOPMed 0.25559.
gnomAD v4.1: 256,497 of 1,589,722 alleles (16%); highest among the groups gnomAD compares: African/African-American, 46%; 24,785 homozygotes.

Submissions (7):

Labcorp Genetics (formerly Invitae), Labcorp
Classification: Benign for Temtamy preaxial brachydactyly syndrome. Last evaluated: 2026-02-02. Review status: criteria provided, single submitter. Criteria: Invitae Variant Classification Sherloc (09022015). Collection method: clinical testing. Allele origin: germline.

Blueprint Genetics
Classification: Benign. Last evaluated: 2024-11-27. Review status: criteria provided, single submitter. Criteria: ACMG Guidelines, 2015. Collection method: clinical testing. Allele origin: germline.

Genome-Nilou Lab
Classification: Benign for Temtamy preaxial brachydactyly syndrome. Last evaluated: 2021-07-22. Review status: criteria provided, single submitter. Criteria: ACMG Guidelines, 2015. Collection method: clinical testing. Allele origin: germline. Affected: no.

Athena Diagnostics
Classification: Benign. Last evaluated: 2018-08-10. Review status: criteria provided, single submitter. Criteria: Athena Diagnostics Criteria. Collection method: clinical testing. Allele origin: germline.

GeneDx
Classification: Benign. Last evaluated: 2018-06-14. Review status: criteria provided, single submitter. Criteria: GeneDx Variant Classification (06012015). Collection method: clinical testing. Allele origin: germline. Affected: yes.
Comment: This variant is considered likely benign or benign based on one or more of the following criteria: it is a conservative change, it occurs at a poorly conserved position in the protein, it is predicted to be benign by multiple in silico algorithms, and/or has population frequency not consistent with disease.

Mayo Clinic Laboratories, Mayo Clinic
Classification: Benign. Last evaluated: 2017-12-19. Review status: criteria provided, single submitter. Criteria: ACMG Guidelines, 2015. Collection method: clinical testing. Allele origin: germline. Observed: 16 variant alleles.

Breakthrough Genomics
Classification: Benign. Review status: criteria provided, single submitter. Criteria: ACMG Guidelines, 2015. Collection method: not provided. Allele origin: germline. Inheritance: Autosomal recessive inheritance. Affected: yes.

NM_014918.5(CHSY1):c.303G>C (p.Arg101=)

Genes: CHSY1 (chondroitin sulfate synthase 1; minus strand), LOC130058068 (ATAC-STARR-seq lymphoblastoid silent region 6885; plus strand). Cytogenetic location: 15q26.3.
Variant type: single nucleotide variant.
Coding change: c.303G>C on transcript NM_014918.5 (MANE Select); coding-DNA position 303, G replaced by C.
Protein change: p.Arg101=; no amino-acid change (arginine 101 retained).
Molecular consequence: synonymous variant.
Genome position (GRCh38, 1-based): chr15:101,251,154, C>G on the plus strand (G>C on the coding strand, the complement: CHSY1 is on the minus strand). VCF-style: chr15-101251154-C-G. GRCh37 (hg19) VCF-style: chr15-101791359-C-G.
Other names: p.Arg101=.
Identifiers: ClinVar variation 585674 (VCV000585674.18), dbSNP rs7176149, ClinGen allele CA7762782.
Genomic context (GRCh38, chr15:101,251,154, plus strand): 5'-GATGCCGGACGCAGGAGGCGGTGCCCGGGGAGCAGGGGCTCACCTGTAGGCGGCCACGGC[C>G]CGAGTCTGCAGGTATTTCTGGGCGGTCATGACTCCCACGAAGAGAAAGTTCCTGTCGCGC-3'
Protein context (NP_055733.2, residues 91-111): VMTAQKYLQT[Arg101=]AVAAYRTWSK